The following is an entry in ClinVar:

ClinVar aggregate classification (germline): Uncertain significance (1 of 4 stars; one submission).

Conditions:
Pulmonary fibrosis and/or bone marrow failure, Telomere-related, 4. Also called: PULMONARY FIBROSIS AND/OR BONE MARROW FAILURE SYNDROME, TELOMERE-RELATED, 4. Identifiers: Orphanet 2032, MedGen C4225347, MONDO:0014612, OMIM 616371.
Dyskeratosis congenita, autosomal recessive 6 (DKCB6). Identifiers: MedGen C4225356, MONDO:0014600, OMIM 616353.

gnomAD v4.1: 10 of 1,612,784 alleles (0.00062%); highest among the groups gnomAD compares: African/African-American, 0.004%; no homozygotes.

Submission:

Labcorp Genetics (formerly Invitae), Labcorp
Classification: Uncertain significance for Dyskeratosis congenita, autosomal recessive 6; Pulmonary fibrosis and/or bone marrow failure, Telomere-related, 4. Last evaluated: 2025-03-26. Review status: criteria provided, single submitter. Criteria: Invitae Variant Classification Sherloc (09022015). Collection method: clinical testing. Allele origin: germline.
Comment: This sequence change replaces aspartic acid, which is acidic and polar, with histidine, which is basic and polar, at codon 460 of the PARN protein (p.Asp460His). This variant is present in population databases (rs747006604, gnomAD 0.007%). This variant has not been reported in the literature in individuals affected with PARN-related conditions. Invitae Evidence Modeling of protein sequence and biophysical properties (such as structural, functional, and spatial information, amino acid conservation, physicochemical variation, residue mobility, and thermodynamic stability) indicates that this missense variant is not expected to disrupt PARN protein function with a negative predictive value of 80%. In summary, the available evidence is currently insufficient to determine the role of this variant in disease. Therefore, it has been classified as a Variant of Uncertain Significance.

NM_002582.4(PARN):c.1378G>C (p.Asp460His)

Gene: PARN (poly(A)-specific ribonuclease; minus strand). Cytogenetic location: 16p13.12.
Variant type: single nucleotide variant.
Coding change: c.1378G>C on transcript NM_002582.4 (MANE Select); coding-DNA position 1378, G replaced by C.
Protein change: p.Asp460His; replaces aspartic acid 460 with histidine.
Molecular consequence: missense variant.
Genome position (GRCh38, 1-based): chr16:14,554,092, C>G on the plus strand (G>C on the coding strand, the complement: PARN is on the minus strand). VCF-style: chr16-14554092-C-G. GRCh37 (hg19) VCF-style: chr16-14647949-C-G.
Other names: c.1195G>C, p.Asp399His (NM_001134477.3); c.1240G>C, p.Asp414His (NM_001242992.2); short protein forms D414H, D399H, D460H.
Identifiers: ClinVar variation 4791870 (VCV004791870.1).